The following is an entry in ClinVar:

NM_007209.4(RPL35):c.250C>T (p.Arg84Trp)

Gene: RPL35 (ribosomal protein L35; minus strand). Cytogenetic location: 9q33.3.
Variant type: single nucleotide variant.
Coding change: c.250C>T on transcript NM_007209.4 (MANE Select); coding-DNA position 250, C replaced by T.
Protein change: p.Arg84Trp; replaces arginine 84 with tryptophan.
Molecular consequence: missense variant.
Genome position (GRCh38, 1-based): chr9:124,858,040, G>A on the plus strand (C>T on the coding strand, the complement: RPL35 is on the minus strand). VCF-style: chr9-124858040-G-A. GRCh37 (hg19) VCF-style: chr9-127620319-G-A.
Other names: short protein forms R84W.
Identifiers: ClinVar variation 2443247 (VCV002443247.2), dbSNP rs1413243324, ClinGen allele CA374885176.

ClinVar aggregate classification (germline): Uncertain significance (0 of 4 stars; one submission).

Allele frequency attached by ClinVar (database versions not stated): gnomAD exomes below 0.00001.
gnomAD v4.1: 4 of 1,612,418 alleles (0.00025%); highest among the groups gnomAD compares: Non-Finnish European, 0.00025%; no homozygotes.

Submission:

Genetic Services Laboratory, University of Chicago
Classification: Uncertain significance. Last evaluated: 2022-12-06. Review status: no assertion criteria provided. Collection method: clinical testing. Allele origin: germline. Affected: no.
Comment: DNA sequence analysis of the RPL35 gene demonstrated a sequence change, c.250C>T, in exon 4 that results in an amino acid change, p.Arg84Trp. This sequence change does not appear to have been previously described in individuals with RPL35-related disorders. This sequence change has been described in the gnomAD database in one individual which corresponds to a population frequency of 0.0004% (dbSNP rs1413243324). The p.Arg84Trp change affects a highly conserved amino acid residue located in a domain of the RPL35 protein that is not known to be functional. In-silico pathogenicity prediction tools (SIFT, PolyPhen2, Align GVGD, REVEL) provide contradictory results for the p.Arg84Trp substitution. Due to insufficient evidences and the lack of functional studies, the clinical significance of the p.Arg84Trp change remains unknown at this time.